The following is an entry in ClinVar:

ClinVar aggregate classification (germline): Pathogenic (1 of 4 stars; one submission).

Conditions:
Neurofibromatosis, type 1 (NF1). Also called: Peripheral type neurofibromatosis; VON RECKLINGHAUSEN DISEASE; Neurofibromatosis, type I; NEUROFIBROMATOSIS, TYPE I, SOMATIC. Identifiers: Orphanet 636, MedGen C0027831, MONDO:0018975, OMIM 162200. Disease mechanism: loss of function.

Submission:

Labcorp Genetics (formerly Invitae), Labcorp
Classification: Pathogenic for Neurofibromatosis, type 1. Last evaluated: 2024-04-02. Review status: criteria provided, single submitter. Criteria: Invitae Variant Classification Sherloc (09022015). Collection method: clinical testing. Allele origin: germline.
Comment: This sequence change creates a premature translational stop signal (p.Tyr2619Metfs*4) in the NF1 gene. It is expected to result in an absent or disrupted protein product. Loss-of-function variants in NF1 are known to be pathogenic (PMID: 10712197, 23913538). This variant is not present in population databases (gnomAD no frequency). This variant has not been reported in the literature in individuals affected with NF1-related conditions. For these reasons, this variant has been classified as Pathogenic.

Literature cited by the submitters: PubMed 10712197; PubMed 23913538.

NM_001042492.3(NF1):c.7918del (p.Tyr2640fs)

Gene: NF1 (neurofibromin 1; plus strand). Cytogenetic location: 17q11.2.
Variant type: Deletion.
Coding change: c.7918del on transcript NM_001042492.3 (MANE Select); coding-DNA position 7918, one base deleted (T; older notation c.7918delT).
Protein change: p.Tyr2640fs; shifts the reading frame from tyrosine 2640.
Molecular consequence: frameshift variant.
Genome position (GRCh38, 1-based): chr17:31,357,317, T deleted; the last of 3 consecutive T bases (chr17:31,357,315-31,357,317); deleting any one gives the same sequence. VCF-style (leftmost placement, unchanged base first): chr17-31357314-CT-C. GRCh37 (hg19) VCF-style: chr17-29684332-CT-C.
Other names: c.7855delT, p.Tyr2619Metfs (NM_000267.4); short protein forms Y2619fs, Y2640fs.
Identifiers: ClinVar variation 3648402 (VCV003648402.2).
Genomic context (GRCh38, chr17:31,357,314, plus strand): 5'-TTTGCATCTTGGCAGGCTACACTGGTAAAATATACCACAGATGAGTTTGATCAACGAATT[CT>C]TTATGAATACTTAGCAGAGGCCAGTGTTGTGTTTCCCAAAGTCTTTCCTGTTGTGTAAGT-3'